The following is an entry in ClinVar:

NM_001378183.1(PIEZO2):c.8513T>C (p.Leu2838Pro)

Gene: PIEZO2 (piezo type mechanosensitive ion channel component 2; minus strand). Cytogenetic location: 18p11.22.
Variant type: single nucleotide variant.
Coding change: c.8513T>C on transcript NM_001378183.1 (MANE Select); coding-DNA position 8513, T replaced by C.
Protein change: p.Leu2838Pro; replaces leucine 2838 with proline.
Molecular consequence: missense variant.
Genome position (GRCh38, 1-based): chr18:10,671,612, A>G on the plus strand (T>C on the coding strand, the complement: PIEZO2 is on the minus strand). VCF-style: chr18-10671612-A-G. GRCh37 (hg19) VCF-style: chr18-10671609-A-G.
Other names: c.8249T>C, p.Leu2750Pro (NM_001410871.1); c.8174T>C, p.Leu2725Pro (NM_022068.4); short protein forms L2750P, L2838P, L2725P.
Identifiers: ClinVar variation 3705806 (VCV003705806.2).
Genomic context (GRCh38, chr18:10,671,612, plus strand): 5'-TTGATCATTGTCTCTGGTGAGCGATATAGGAATATTAATTTGGCATAGAGATCTTCTTCT[A>G]GCTCCAGTTCTCCTGTCTCTCGAACTAAAAAAATATCTGTGCACAACTTCAAAATTCGAT-3'
Protein context (NP_001365112.1, residues 2828-2848): FLVRETGELE[Leu2838Pro]EEDLYAKLIF

ClinVar aggregate classification (germline): Uncertain significance (1 of 4 stars; one submission).

gnomAD v4.1: 27 of 1,613,980 alleles (0.0017%); highest among the groups gnomAD compares: African/African-American, 0.0027%; no homozygotes.

Submission:

Labcorp Genetics (formerly Invitae), Labcorp
Classification: Uncertain significance. Last evaluated: 2024-06-03. Review status: criteria provided, single submitter. Criteria: Invitae Variant Classification Sherloc (09022015). Collection method: clinical testing. Allele origin: germline.
Comment: This sequence change replaces leucine, which is neutral and non-polar, with proline, which is neutral and non-polar, at codon 2725 of the PIEZO2 protein (p.Leu2725Pro). This variant is present in population databases (rs546167077, gnomAD 0.005%). This variant has not been reported in the literature in individuals affected with PIEZO2-related conditions. Advanced modeling of protein sequence and biophysical properties (such as structural, functional, and spatial information, amino acid conservation, physicochemical variation, residue mobility, and thermodynamic stability) performed at Invitae indicates that this missense variant is expected to disrupt PIEZO2 protein function with a positive predictive value of 80%. In summary, the available evidence is currently insufficient to determine the role of this variant in disease. Therefore, it has been classified as a Variant of Uncertain Significance.